The following is an entry in ClinVar:

ClinVar aggregate classification (germline): Uncertain significance (1 of 4 stars; one submission).

Conditions:
DK1-congenital disorder of glycosylation. Also called: CONGENITAL DISORDER OF GLYCOSYLATION, TYPE Im; CDG Im; DK1-CDG; DK1 DEFICIENCY; DOLICHOL KINASE DEFICIENCY; DOLK-congenital disorder of glycosylation. Identifiers: Orphanet 91131, MedGen C1835849, MONDO:0012556, OMIM 610768.

Submission:

Labcorp Genetics (formerly Invitae), Labcorp
Classification: Uncertain significance for DK1-congenital disorder of glycosylation. Last evaluated: 2020-02-18. Review status: criteria provided, single submitter. Criteria: Invitae Variant Classification Sherloc (09022015). Collection method: clinical testing. Allele origin: germline.
Comment: This sequence change replaces leucine with proline at codon 412 of the DOLK protein (p.Leu412Pro). The leucine residue is highly conserved and there is a moderate physicochemical difference between leucine and proline. This variant is not present in population databases (ExAC no frequency). This variant has not been reported in the literature in individuals with DOLK-related conditions. Algorithms developed to predict the effect of missense changes on protein structure and function (SIFT, PolyPhen-2, Align-GVGD) all suggest that this variant is likely to be disruptive, but these predictions have not been confirmed by published functional studies and their clinical significance is uncertain. In summary, the available evidence is currently insufficient to determine the role of this variant in disease. Therefore, it has been classified as a Variant of Uncertain Significance.

NM_014908.4(DOLK):c.1235T>C (p.Leu412Pro)

Gene: DOLK (dolichol kinase; minus strand). Cytogenetic location: 9q34.11.
Variant type: single nucleotide variant.
Coding change: c.1235T>C on transcript NM_014908.4 (MANE Select); coding-DNA position 1235, T replaced by C.
Protein change: p.Leu412Pro; replaces leucine 412 with proline.
Molecular consequence: missense variant.
Genome position (GRCh38, 1-based): chr9:128,946,069, A>G on the plus strand (T>C on the coding strand, the complement: DOLK is on the minus strand). VCF-style: chr9-128946069-A-G. GRCh37 (hg19) VCF-style: chr9-131708348-A-G.
Other names: short protein forms L412P.
Identifiers: ClinVar variation 1010812 (VCV001010812.10), dbSNP rs1841659135, ClinGen allele CA375118890.
Genomic context (GRCh38, chr9:128,946,069, plus strand): 5'-AGGCTACCCTTCTGTGTGCAGGGTCTGGGGATCAGCCAGATGGGAAGAGACATGCCCAGG[A>G]GCAGGTAGATGTGTGTCAGAATGAGTGGTCCACTGTCTCGTTCATCCAGAAAAAGGGACA-3'
Protein context (NP_055723.1, residues 402-422): GPLILTHIYL[Leu412Pro]LGMSLPIWLI